The following is an entry in ClinVar:

ClinVar aggregate classification (germline): Likely benign (1 of 4 stars; one submission).

Conditions:
ANKS6-related disorder. Also called: ANKS6-related condition.

gnomAD v4.1: 2 of 1,515,552 alleles (0.00013%); highest among the groups gnomAD compares: Non-Finnish European, 0.00018%; no homozygotes.

Submission:

PreventionGenetics, part of Exact Sciences
Classification: Likely benign for ANKS6-related condition. Last evaluated: 2026-01-07. Review status: criteria provided, single submitter. Criteria: ACMG Guidelines, 2015. Collection method: clinical testing. Allele origin: germline.
Comment: This variant is classified as likely benign based on ACMG/AMP sequence variant interpretation guidelines (Richards et al. 2015 PMID: 25741868, with internal and published modifications).

NM_173551.5(ANKS6):c.908-4G>A

Gene: ANKS6 (ankyrin repeat and sterile alpha motif domain containing 6; minus strand). Cytogenetic location: 9q22.33.
Variant type: single nucleotide variant.
Coding change: c.908-4G>A on transcript NM_173551.5 (MANE Select); 4 bases into the intron before coding-DNA position 908, G replaced by A.
Molecular consequence: intron variant.
Genome position (GRCh38, 1-based): chr9:98,784,161, C>T on the plus strand (G>A on the coding strand, the complement: ANKS6 is on the minus strand). VCF-style: chr9-98784161-C-T. GRCh37 (hg19) VCF-style: chr9-101546443-C-T.
Identifiers: ClinVar variation 4989663 (VCV004989663.1).